The following is an entry in ClinVar:

ClinVar aggregate classification (germline): Likely benign (1 of 4 stars; one submission).

Conditions:
Growth delay due to insulin-like growth factor I resistance. Also called: Somatomedin end-organ insensitivity to; Somatomedin-c resistance to; IGF-1 resistance; IGF-I RESISTANCE; Insulin-Like Growth Factor I Resistance. Identifiers: Orphanet 73273, MedGen C1849157, MONDO:0010038, OMIM 270450.

Allele frequency attached by ClinVar (database versions not stated): 1000 Genomes Project 30x 0.00281; 1000 Genomes Project 0.00300; gnomAD 0.00516 and 0.00552; TOPMed 0.00611; gnomAD exomes 0.00820.
gnomAD v4.1: 1,501 of 233,650 alleles (0.64%); highest among the groups gnomAD compares: Middle Eastern, 2.5%; 8 homozygotes.

Submission:

Illumina Laboratory Services, Illumina
Classification: Likely benign for Growth delay due to insulin-like growth factor I resistance. Last evaluated: 2018-01-12. Review status: criteria provided, single submitter. Criteria: ICSL Variant Classification Criteria 13 December 2019. Collection method: clinical testing. Allele origin: germline.
Comment: This variant was observed in the ICSL laboratory as part of a predisposition screen in an ostensibly healthy population. It had not been previously curated by ICSL or reported in the Human Gene Mutation Database (HGMD: prior to June 1st, 2018), and was therefore a candidate for classification through an automated scoring system. Utilizing variant allele frequency, disease prevalence and penetrance estimates, and inheritance mode, an automated score was calculated to assess if this variant is too frequent to cause the disease. Based on the score and internal cut-off values, a variant classified as likely benign is not then subjected to further curation. The score for this variant resulted in a classification of likely benign for this disease.

NM_000875.5(IGF1R):c.*2790C>T

Gene: IGF1R (insulin like growth factor 1 receptor; plus strand). Cytogenetic location: 15q26.3.
Variant type: single nucleotide variant.
Coding change: c.*2790C>T on transcript NM_000875.5 (MANE Select); 2790 bases downstream of the stop codon, C replaced by T.
Molecular consequence: 3 prime UTR variant.
Genome position (GRCh38, 1-based): chr15:98,960,232, C>T. VCF-style: chr15-98960232-C-T. GRCh37 (hg19) VCF-style: chr15-99503461-C-T.
Other names: c.*2790C>T (NM_001291858.2).
Identifiers: ClinVar variation 317538 (VCV000317538.5), dbSNP rs116869031, ClinGen allele CA10647574.